The following is an entry in ClinVar:

ClinVar aggregate classification (germline): Likely benign (0 of 4 stars; one submission).

Conditions:
PCNT-related disorder. Also called: PCNT-related condition.

Submission:

PreventionGenetics, part of Exact Sciences
Classification: Likely benign for PCNT-related condition. Last evaluated: 2023-03-30. Review status: no assertion criteria provided. Collection method: clinical testing. Allele origin: germline.
Comment: This variant is classified as likely benign based on ACMG/AMP sequence variant interpretation guidelines (Richards et al. 2015 PMID: 25741868, with internal and published modifications).

NM_006031.6(PCNT):c.9273+5G>T

Gene: PCNT (pericentrin; plus strand). Cytogenetic location: 21q22.3.
Variant type: single nucleotide variant.
Coding change: c.9273+5G>T on transcript NM_006031.6 (MANE Select); 5 bases into the intron after coding-DNA position 9273, G replaced by T.
Molecular consequence: intron variant.
Genome position (GRCh38, 1-based): chr21:46,438,342, G>T. VCF-style: chr21-46438342-G-T. GRCh37 (hg19) VCF-style: chr21-47858255-G-T.
Other names: c.8682+5G>T (NM_001315529.2).
Identifiers: ClinVar variation 3355949 (VCV003355949.1).